The following is an entry in ClinVar:

ClinVar aggregate classification (germline): Likely pathogenic (1 of 4 stars; one submission).

Conditions:
Autosomal recessive polycystic kidney disease (ARPKD). Also called: AR polycystic kidney disease. Identifiers: Orphanet 731, Orphanet 8378, MedGen C0085548, MeSH D017044, MONDO:0009889.

Submission:

Labcorp Genetics (formerly Invitae), Labcorp
Classification: Likely pathogenic for Autosomal recessive polycystic kidney disease. Last evaluated: 2023-09-21. Review status: criteria provided, single submitter. Criteria: Invitae Variant Classification Sherloc (09022015). Collection method: clinical testing. Allele origin: germline.
Comment: This variant is not present in population databases (gnomAD no frequency). In summary, the currently available evidence indicates that the variant is pathogenic, but additional data are needed to prove that conclusively. Therefore, this variant has been classified as Likely Pathogenic. Algorithms developed to predict the effect of sequence changes on RNA splicing suggest that this variant may disrupt the consensus splice site. ClinVar contains an entry for this variant (Variation ID: 1068442). This variant has not been reported in the literature in individuals affected with PKHD1-related conditions. This sequence change affects an acceptor splice site in intron 60 of the PKHD1 gene. It is expected to disrupt RNA splicing. Variants that disrupt the donor or acceptor splice site typically lead to a loss of protein function (PMID: 16199547), and loss-of-function variants in PKHD1 are known to be pathogenic (PMID: 19940839).

Literature cited by the submitters: PubMed 16199547; PubMed 19940839.

NM_138694.4(PKHD1):c.10157-2A>G

Gene: PKHD1 (PKHD1 ciliary IPT domain containing fibrocystin/polyductin; minus strand). Cytogenetic location: 6p12.3.
Variant type: single nucleotide variant.
Coding change: c.10157-2A>G on transcript NM_138694.4 (MANE Select); the canonical splice acceptor site of the intron before coding-DNA position 10157, A replaced by G.
Molecular consequence: splice acceptor variant.
Genome position (GRCh38, 1-based): chr6:51,659,971, T>C on the plus strand (A>G on the coding strand, the complement: PKHD1 is on the minus strand). VCF-style: chr6-51659971-T-C. GRCh37 (hg19) VCF-style: chr6-51524769-T-C.
Identifiers: ClinVar variation 1068442 (VCV001068442.7), dbSNP rs2150418852, ClinGen allele CA364437730.